The following is an entry in ClinVar:

NM_001197104.2(KMT2A):c.3770G>T (p.Ser1257Ile)

Gene: KMT2A (lysine methyltransferase 2A; plus strand). Cytogenetic location: 11q23.3.
Variant type: single nucleotide variant.
Coding change: c.3770G>T on transcript NM_001197104.2 (MANE Select); coding-DNA position 3770, G replaced by T.
Protein change: p.Ser1257Ile; replaces serine 1257 with isoleucine.
Molecular consequence: missense variant.
Genome position (GRCh38, 1-based): chr11:118,481,850, G>T. VCF-style: chr11-118481850-G-T. GRCh37 (hg19) VCF-style: chr11-118352565-G-T.
Other names: c.3770G>T, p.Ser1257Ile (NM_005933.4); short protein forms S1257I.
Identifiers: ClinVar variation 1196795 (VCV001196795.12), dbSNP rs988213215, ClinGen allele CA229527607.

ClinVar aggregate classification (germline): Conflicting classifications of pathogenicity. Review status: criteria provided, conflicting classifications (1 of 4 stars). 3 submissions from 3 submitters: Uncertain significance (2); Likely benign (1). Last evaluated 2025-04-09.

Conditions:
Inborn genetic diseases. Identifiers: MedGen C0950123, MeSH D030342.

Allele frequency attached by ClinVar (database versions not stated): gnomAD exomes below 0.00001.

Submissions (3):

Labcorp Genetics (formerly Invitae), Labcorp
Classification: Uncertain significance. Last evaluated: 2025-04-09. Review status: criteria provided, single submitter. Criteria: Invitae Variant Classification Sherloc (09022015). Collection method: clinical testing. Allele origin: germline.
Comment: This sequence change replaces serine, which is neutral and polar, with isoleucine, which is neutral and non-polar, at codon 1257 of the KMT2A protein (p.Ser1257Ile). The frequency data for this variant in the population databases is considered unreliable, as metrics indicate poor data quality at this position in the gnomAD database. This variant has not been reported in the literature in individuals affected with KMT2A-related conditions. ClinVar contains an entry for this variant (Variation ID: 1196795). Invitae Evidence Modeling of protein sequence and biophysical properties (such as structural, functional, and spatial information, amino acid conservation, physicochemical variation, residue mobility, and thermodynamic stability) has been performed for this missense variant. However, the output from this modeling did not meet the statistical confidence thresholds required to predict the impact of this variant on KMT2A protein function. In summary, the available evidence is currently insufficient to determine the role of this variant in disease. Therefore, it has been classified as a Variant of Uncertain Significance.

Ambry Genetics
Classification: Uncertain significance for Inborn genetic diseases. Last evaluated: 2023-04-04. Review status: criteria provided, single submitter. Criteria: Ambry Variant Classification Scheme 2023. Collection method: clinical testing. Allele origin: germline.

GeneDx
Classification: Likely benign. Last evaluated: 2020-12-22. Review status: criteria provided, single submitter. Criteria: GeneDx Variant Classification Process June 2021. Collection method: clinical testing. Allele origin: germline. Affected: yes.
Comment: In silico analysis, which includes protein predictors and evolutionary conservation, supports a deleterious effect; Has not been previously published as pathogenic or benign to our knowledge